The following is an entry in ClinVar:

ClinVar aggregate classification (germline): Pathogenic (1 of 4 stars; one submission).

Conditions:
Walker-Warburg congenital muscular dystrophy. Also called: Muscular dystrophy-dystroglycanopathy, type A; Walker-Warburg syndrome. Identifiers: Orphanet 899, MedGen C0265221, MONDO:0000171.
Muscular dystrophy-dystroglycanopathy (congenital with impaired intellectual development), type B, 1. Also called: MUSCULAR DYSTROPHY, CONGENITAL, POMT1-RELATED; Muscular dystrophy-dystroglycanopathy (congenital with intellectual disability), type B1. Identifiers: MedGen C5436962, MONDO:0013159, OMIM 613155.
Autosomal recessive limb-girdle muscular dystrophy type 2K. Also called: MUSCULAR DYSTROPHY-DYSTROGLYCANOPATHY (LIMB-GIRDLE), TYPE C, 1; MUSCULAR DYSTROPHY, LIMB-GIRDLE, TYPE 2K. Identifiers: Orphanet 86812, MedGen C1836373, MONDO:0012248, OMIM 609308.

Submission:

Labcorp Genetics (formerly Invitae), Labcorp
Classification: Pathogenic for Muscular dystrophy-dystroglycanopathy (congenital with impaired intellectual development), type B, 1; Walker-Warburg congenital muscular dystrophy; Autosomal recessive limb-girdle muscular dystrophy type 2K. Last evaluated: 2023-02-18. Review status: criteria provided, single submitter. Criteria: Invitae Variant Classification Sherloc (09022015). Collection method: clinical testing. Allele origin: germline.
Comment: For these reasons, this variant has been classified as Pathogenic. Algorithms developed to predict the effect of sequence changes on RNA splicing suggest that this variant may disrupt the consensus splice site. This variant has not been reported in the literature in individuals affected with POMT1-related conditions. This variant is not present in population databases (gnomAD no frequency). This sequence change creates a premature translational stop signal (p.Trp187Glyfs*4) in the POMT1 gene. It is expected to result in an absent or disrupted protein product. Loss-of-function variants in POMT1 are known to be pathogenic (PMID: 12369018, 15637732, 16575835).

Literature cited by the submitters: PubMed 12369018; PubMed 15637732; PubMed 16575835.

NM_001077365.2(POMT1):c.559del (p.Trp187fs)

Gene: POMT1 (protein O-mannosyltransferase 1; plus strand). Cytogenetic location: 9q34.13.
Variant type: Deletion.
Coding change: c.559del on transcript NM_001077365.2 (MANE Select); coding-DNA position 559, one base deleted (T; older notation c.559delT).
Protein change: p.Trp187fs; shifts the reading frame from tryptophan 187.
Molecular consequence: frameshift variant. On other transcripts: non-coding transcript variant (10), 5 prime UTR variant (1).
Genome position (GRCh38, 1-based): chr9:131,509,762, T deleted. VCF-style (leftmost placement, unchanged base first): chr9-131509761-GT-G. GRCh37 (hg19) VCF-style: chr9-134385148-GT-G.
Other names: c.397del, p.Trp133fs (NM_001077366.2, NM_001353194.2, NM_001353197.2 and 3 more transcripts); c.559del, p.Trp187fs (NM_001136113.2, NM_001353193.2, NM_007171.4 and 1 more transcripts); c.208del, p.Trp70fs (NM_001136114.2, NM_001353195.2, NM_001353199.2 and 2 more transcripts); c.469del, p.Trp157fs (NM_001353196.2); c.103del, p.Trp35fs (NM_001353200.2, NM_001374695.1); c.-578del (NM_001411024.1); short protein forms W187fs, W35fs, W70fs, W133fs, W157fs.
Identifiers: ClinVar variation 2944469 (VCV002944469.3), dbSNP rs2539131729, ClinGen allele CA2740092889.